The following is an entry in ClinVar:

ClinVar aggregate classification (germline): Likely benign (1 of 4 stars; one submission).

Conditions:
LRRC45-related disorder. Also called: LRRC45-related condition.

Submission:

PreventionGenetics, part of Exact Sciences
Classification: Likely benign for LRRC45-related condition. Last evaluated: 2024-10-07. Review status: criteria provided, single submitter. Criteria: ACMG Guidelines, 2015. Collection method: clinical testing. Allele origin: germline.
Comment: This variant is classified as likely benign based on ACMG/AMP sequence variant interpretation guidelines (Richards et al. 2015 PMID: 25741868, with internal and published modifications).

NM_144999.4(LRRC45):c.1238-10G>T

Gene: LRRC45 (leucine rich repeat containing 45; plus strand). Cytogenetic location: 17q25.3.
Variant type: single nucleotide variant.
Coding change: c.1238-10G>T on transcript NM_144999.4 (MANE Select); 10 bases into the intron before coding-DNA position 1238, G replaced by T.
Molecular consequence: intron variant.
Genome position (GRCh38, 1-based): chr17:82,028,603, G>T. VCF-style: chr17-82028603-G-T. GRCh37 (hg19) VCF-style: chr17-79986479-G-T.
Identifiers: ClinVar variation 4998225 (VCV004998225.1).
Genomic context (GRCh38, chr17:82,028,603, plus strand): 5'-GGGATGGGCACCGGGGGACGGGGGCCCCCAGGGGATGCTCACGCATACTCTGCCCACCCT[G>T]GGCTTCCAGAGCGCCTGGACATGGAGAAGAGAAGATGCAGACAGAGCCTGGAGGACTCCG-3'